The following is an entry in ClinVar:

ClinVar aggregate classification (germline): Pathogenic (1 of 4 stars; one submission).

Conditions:
Ataxia-telangiectasia syndrome (AT). Also called: Cerebello-oculocutaneous telangiectasia; Immunodeficiency with ataxia telangiectasia; Ataxia-telangiectasia, complementation group D; AT, COMPLEMENTATION GROUP C; Ataxia-telangiectasia, complementation group E; LOUIS-BAR SYNDROME. Identifiers: Orphanet 100, MedGen C0004135, MONDO:0008840, OMIM 208900.

Submission:

Labcorp Genetics (formerly Invitae), Labcorp
Classification: Pathogenic for Ataxia-telangiectasia syndrome. Last evaluated: 2019-03-05. Review status: criteria provided, single submitter. Criteria: Invitae Variant Classification Sherloc (09022015). Collection method: clinical testing. Allele origin: germline.
Comment: For these reasons, this variant has been classified as Pathogenic. Loss-of-function variants in ATM are known to be pathogenic (PMID: 23807571, 25614872). This variant has not been reported in the literature in individuals with ATM-related conditions. ClinVar contains an entry for this variant (Variation ID: 453516). This variant is not present in population databases (ExAC no frequency). This sequence change creates a premature translational stop signal (p.Leu145Tyrfs*8) in the ATM gene. It is expected to result in an absent or disrupted protein product.

Literature cited by the submitters: PubMed 23807571; PubMed 25614872.

NM_000051.4(ATM):c.432del (p.Leu145fs)

Gene: ATM (ATM serine/threonine kinase; plus strand). Cytogenetic location: 11q22.3.
Variant type: Deletion.
Coding change: c.432del on transcript NM_000051.4 (MANE Select); coding-DNA position 432, one base deleted (A; older notation c.432delA).
Protein change: p.Leu145fs; shifts the reading frame from leucine 145.
Molecular consequence: frameshift variant.
Genome position (GRCh38, 1-based): chr11:108,235,770, A deleted. VCF-style (leftmost placement, unchanged base first): chr11-108235769-TA-T. GRCh37 (hg19) VCF-style: chr11-108106496-TA-T.
Other names: c.432del, p.Leu145fs (NM_001351834.2); c.432delA (NM_000051.3); short protein forms L145fs.
Identifiers: ClinVar variation 453516 (VCV000453516.8), dbSNP rs1555059333, ClinGen allele CA658656154.
Genomic context (GRCh38, chr11:108,235,769, plus strand): 5'-TCATGGATACAGTGAAAGATTCATCTAATGGTGCTATTTACGGAGCTGATTGTAGCAACA[TA>T]CTACTCAAAGACATTCTTTCTGTGAGAAAATACTGGTGTGAAATATCTCAGCAACAGTGG-3'